The following is an entry in ClinVar:

NM_001267550.2(TTN):c.11370A>G (p.Gln3790=)

Gene: TTN (titin; minus strand). Cytogenetic location: 2q31.2.
Variant type: single nucleotide variant.
Coding change: c.11370A>G on transcript NM_001267550.2 (MANE Select); coding-DNA position 11370, A replaced by G.
Protein change: p.Gln3790=; no amino-acid change (glutamine 3790 retained).
Molecular consequence: synonymous variant. On other transcripts: intron variant (1).
Genome position (GRCh38, 1-based): chr2:178,741,863, T>C on the plus strand (A>G on the coding strand, the complement: TTN is on the minus strand). VCF-style: chr2-178741863-T-C. GRCh37 (hg19) VCF-style: chr2-179606590-T-C.
Other names: p.Q3473Q:CAA>CAG; c.10419A>G, p.Gln3473= (NM_001256850.1); c.10281A>G, p.Gln3427= (NM_003319.4); c.10656A>G, p.Gln3552= (NM_133432.3); c.10857A>G, p.Gln3619= (NM_133437.4); c.10361-3503A>G (NM_133378.4).
Identifiers: ClinVar variation 137834 (VCV000137834.66), dbSNP rs72648918, ClinGen allele CA295775.

ClinVar aggregate classification (germline): Benign/Likely benign. Review status: criteria provided, multiple submitters, no conflicts (2 of 4 stars). 21 submissions from 18 submitters: Benign (8); Likely benign (6). 7 of the submissions do not count toward it. Last evaluated 2026-09-01.

Conditions:
TTN-related disorder. Also called: TTN-related disorders; TTN-related condition; TTN-related disease.
Cardiovascular phenotype. Identifiers: MedGen CN230736.
Dilated cardiomyopathy 1G (CMD1G). Identifiers: Orphanet 154, MedGen C1858763, MONDO:0011400, OMIM 604145.
Autosomal recessive limb-girdle muscular dystrophy type 2J (LGMDR10). Also called: Limb-girdle muscular dystrophy, type 2J; MUSCULAR DYSTROPHY, LIMB-GIRDLE, AUTOSOMAL RECESSIVE 10. Identifiers: Orphanet 140922, MedGen C1837342, MONDO:0012127, OMIM 608807.
Myopathy, myofibrillar, 9, with early respiratory failure (MFM9). Also called: Hereditary myopathy with early respiratory failure; MYOPATHY, PROXIMAL, WITH EARLY RESPIRATORY MUSCLE INVOLVEMENT; Myopathy, distal, with early respiratory failure, autosomal dominant; EDSTROM MYOPATHY. Identifiers: Orphanet 178464, Orphanet 34521, MedGen C1863599, MONDO:0011362, OMIM 603689.
Tibial muscular dystrophy (TMD). Also called: UDD MYOPATHY; Tibial muscular dystrophy, tardive; Udd Distal Myopathy – Tibial Muscular Dystrophy. Identifiers: Orphanet 609, MedGen C1838244, MONDO:0010870, OMIM 600334.
Early-onset myopathy with fatal cardiomyopathy (CMYO5). Also called: Salih Myopathy; CONGENITAL MYOPATHY 5 WITH CARDIOMYOPATHY. Identifiers: Orphanet 289377, MedGen C2673677, MONDO:0012714, OMIM 611705. Disease mechanism: loss of function.

Allele frequency attached by ClinVar (database versions not stated): 1000 Genomes Project 30x 0.00047; 1000 Genomes Project 0.00060; TOPMed 0.00244; gnomAD 0.00045 and 0.00062; ESP Exome Variant Server 0.00068.
gnomAD v4.1: 929 of 1,591,386 alleles (0.058%); highest among the groups gnomAD compares: Admixed American, 0.14%; 4 homozygotes.

Submissions (21):

CeGaT Center for Human Genetics Tuebingen
Classification: Likely benign. Last evaluated: 2026-09-01. Review status: criteria provided, single submitter. Criteria: CeGaT Center For Human Genetics Tuebingen Variant Classification Criteria Version 2. Collection method: clinical testing. Allele origin: germline. Affected: yes. Observed: 14 variant alleles.
Comment: TTN: BP4, BP7

Labcorp Genetics (formerly Invitae), Labcorp
Classification: Benign for Dilated cardiomyopathy 1G; Autosomal recessive limb-girdle muscular dystrophy type 2J. Last evaluated: 2026-02-03. Review status: criteria provided, single submitter. Criteria: Invitae Variant Classification Sherloc (09022015). Collection method: clinical testing. Allele origin: germline.

Molecular Diagnostic Laboratory for Inherited Cardiovascular Disease, Montreal Heart Institute
Classification: Benign. Last evaluated: 2025-04-09. Review status: criteria provided, single submitter. Criteria: ACMG Guidelines, 2015. Collection method: clinical testing. Allele origin: germline. Affected: no.

Laboratory of Genetics, Children's Clinical University Hospital Latvia
Classification: Likely benign. Last evaluated: 2025-02-16. Review status: criteria provided, single submitter. Criteria: ACMG Guidelines, 2015. Collection method: clinical testing. Allele origin: germline. Affected: yes.

Blueprint Genetics
Classification: Likely benign. Last evaluated: 2024-11-11. Review status: criteria provided, single submitter. Criteria: ACMG Guidelines, 2015. Collection method: clinical testing. Allele origin: germline.

Genome-Nilou Lab
Classification: Benign for Autosomal recessive limb-girdle muscular dystrophy type 2J. Last evaluated: 2021-09-10. Review status: criteria provided, single submitter. Criteria: ACMG Guidelines, 2015. Collection method: clinical testing. Allele origin: germline. Affected: no.

Genome-Nilou Lab
Classification: Benign for Myopathy, myofibrillar, 9, with early respiratory failure. Last evaluated: 2021-09-10. Review status: criteria provided, single submitter. Criteria: ACMG Guidelines, 2015. Collection method: clinical testing. Allele origin: germline. Affected: no.

Genome-Nilou Lab
Classification: Benign for Early-onset myopathy with fatal cardiomyopathy. Last evaluated: 2021-09-10. Review status: criteria provided, single submitter. Criteria: ACMG Guidelines, 2015. Collection method: clinical testing. Allele origin: germline. Affected: no.

Genome-Nilou Lab
Classification: Benign for Tibial muscular dystrophy. Last evaluated: 2021-09-10. Review status: criteria provided, single submitter. Criteria: ACMG Guidelines, 2015. Collection method: clinical testing. Allele origin: germline. Affected: no.

Athena Diagnostics
Classification: Benign. Last evaluated: 2018-08-13. Review status: criteria provided, single submitter. Criteria: Athena Diagnostics Criteria. Collection method: clinical testing. Allele origin: germline.

Ambry Genetics
Classification: Likely benign for Cardiovascular phenotype. Last evaluated: 2016-07-22. Review status: criteria provided, single submitter. Criteria: Ambry Variant Classification Scheme 2023. Collection method: clinical testing. Allele origin: germline.

Eurofins Ntd Llc (ga)
Classification: Likely benign. Last evaluated: 2015-07-17. Review status: criteria provided, single submitter. Criteria: EGL Classification Definitions 2015. Collection method: clinical testing. Allele origin: germline. Observed: 1 variant allele, 1 heterozygote.

Laboratory for Molecular Medicine, Mass General Brigham Personalized Medicine
Classification: Likely benign. Last evaluated: 2015-03-18. Review status: criteria provided, single submitter. Criteria: LMM Criteria. Collection method: clinical testing. Allele origin: germline. Observed: 2 variant alleles.
Comment: p.Gln3552Gln in exon 45B of TTN: This variant is not expected to have clinical s ignificance because it does not alter an amino acid residue and is not located w ithin the splice consensus sequence. It has been identified in 0.2% (7/3226) of Latino chromosomes by the Exome Aggregation Consortium (ExAC; dbSNP rs72648918).

GeneDx
Classification: Benign. Last evaluated: 2014-04-19. Review status: criteria provided, single submitter. Criteria: GeneDx Variant Classification (06012015). Collection method: clinical testing. Allele origin: germline. Affected: yes.
Comment: This variant is considered likely benign or benign based on one or more of the following criteria: it is a conservative change, it occurs at a poorly conserved position in the protein, it is predicted to be benign by multiple in silico algorithms, and/or has population frequency not consistent with disease.

PreventionGenetics, part of Exact Sciences
Classification: Likely benign for TTN-related condition. Last evaluated: 2019-07-17. Review status: no assertion criteria provided. Collection method: clinical testing. Allele origin: germline. Not counted in ClinVar's aggregate classification.
Comment: This variant is classified as likely benign based on ACMG/AMP sequence variant interpretation guidelines (Richards et al. 2015 PMID: 25741868, with internal and published modifications).

Clinical Genetics DNA and cytogenetics Diagnostics Lab, Erasmus MC, Erasmus Medical Center
Classification: Likely benign. Review status: no assertion criteria provided. Collection method: clinical testing. Allele origin: germline. Affected: yes. Study: VKGL Data-share Consensus. Not counted in ClinVar's aggregate classification.

Clinical Genetics, Academic Medical Center
Classification: Benign. Review status: no assertion criteria provided. Collection method: clinical testing. Allele origin: germline. Affected: yes. Study: VKGL Data-share Consensus. Not counted in ClinVar's aggregate classification.

Diagnostic Laboratory, Department of Genetics, University Medical Center Groningen
Classification: Likely benign. Review status: no assertion criteria provided. Collection method: clinical testing. Allele origin: germline. Affected: yes. Study: VKGL Data-share Consensus. Not counted in ClinVar's aggregate classification.

Genome Diagnostics Laboratory, University Medical Center Utrecht
Classification: Likely benign. Review status: no assertion criteria provided. Collection method: clinical testing. Allele origin: germline. Affected: yes. Study: VKGL Data-share Consensus. Not counted in ClinVar's aggregate classification.

Joint Genome Diagnostic Labs from Nijmegen and Maastricht, Radboudumc and MUMC+
Classification: Benign. Review status: no assertion criteria provided. Collection method: clinical testing. Allele origin: germline. Affected: yes. Study: VKGL Data-share Consensus. Not counted in ClinVar's aggregate classification.

Laboratory of Diagnostic Genome Analysis, Leiden University Medical Center (LUMC)
Classification: Likely benign. Review status: no assertion criteria provided. Collection method: clinical testing. Allele origin: germline. Affected: yes. Study: VKGL Data-share Consensus. Not counted in ClinVar's aggregate classification.